The following is an entry in ClinVar:

ClinVar aggregate classification (germline): Uncertain significance (1 of 4 stars; one submission).

Submission:

Women's Health and Genetics/Laboratory Corporation of America, LabCorp
Classification: Uncertain significance. Last evaluated: 2023-02-14. Review status: criteria provided, single submitter. Criteria: LabCorp Variant Classification Summary - May 2015. Collection method: clinical testing. Allele origin: germline.
Comment: Variant summary: CYP21A2 c.22C>A (p.Leu8Met) results in a conservative amino acid change in the encoded protein sequence. Three of five in-silico tools predict a benign effect of the variant on protein function. The variant was absent in 161944 control chromosomes. The available data on variant occurrences in the general population are insufficient to allow any conclusion about variant significance. To our knowledge, no occurrence of c.22C>A in individuals affected with Congenital Adrenal Hyperplasia and no experimental evidence demonstrating its impact on protein function have been reported. No clinical diagnostic laboratories have submitted clinical-significance assessments for this variant to ClinVar after 2014. Based on the evidence outlined above, the variant was classified as uncertain significance.

NM_000500.9(CYP21A2):c.22C>A (p.Leu8Met)

Genes: CYP21A2 (cytochrome P450 family 21 subfamily A member 2; plus strand), LOC106780800 (CYP21A2 recombination region; plus strand). Cytogenetic location: 6p21.33.
Variant type: single nucleotide variant.
Coding change: c.22C>A on transcript NM_000500.9 (MANE Select); coding-DNA position 22, C replaced by A.
Protein change: p.Leu8Met; replaces leucine 8 with methionine.
Molecular consequence: missense variant. On other transcripts: 5 prime UTR variant (2).
Genome position (GRCh38, 1-based): chr6:32,038,444, C>A. VCF-style: chr6-32038444-C-A. GRCh37 (hg19) VCF-style: chr6-32006221-C-A.
Other names: c.22C>A, p.Leu8Met (NM_001128590.4); c.-403C>A (NM_001368143.2); c.-313C>A (NM_001368144.2); c.22C>A (NM_000500.7); short protein forms L8M.
Identifiers: ClinVar variation 2445834 (VCV002445834.1), dbSNP rs2483310651, ClinGen allele CA363498631.